The following is an entry in ClinVar:

ClinVar aggregate classification (germline): Pathogenic (1 of 4 stars; one submission).

Conditions:
Hereditary cancer-predisposing syndrome. Also called: Neoplastic Syndromes, Hereditary; Tumor predisposition; Hereditary Cancer Syndrome; Hereditary neoplastic syndrome. Identifiers: Orphanet 140162, MedGen C0027672, MeSH D009386, MONDO:0015356.

Submission:

Ambry Genetics
Classification: Pathogenic for Hereditary cancer-predisposing syndrome. Last evaluated: 2018-11-08. Review status: criteria provided, single submitter. Criteria: Ambry Variant Classification Scheme 2023. Collection method: clinical testing. Allele origin: germline.
Comment: The c.342delC pathogenic mutation, located in coding exon 2 of the MSH6 gene, results from a deletion of one nucleotide at nucleotide position 342, causing a translational frameshift with a predicted alternate stop codon (p.F115Lfs*34). This alteration is expected to result in loss of function by premature protein truncation or nonsense-mediated mRNA decay. As such, this alteration is interpreted as a disease-causing mutation.

NM_000179.3(MSH6):c.342del (p.Phe115fs)

Gene: MSH6 (mutS homolog 6; plus strand). Cytogenetic location: 2p16.3.
Variant type: Deletion.
Coding change: c.342del on transcript NM_000179.3 (MANE Select); coding-DNA position 342, one base deleted (C; older notation c.342delC).
Protein change: p.Phe115fs; shifts the reading frame from phenylalanine 115.
Molecular consequence: frameshift variant. On other transcripts: intron variant (1), 5 prime UTR variant (2).
Genome position (GRCh38, 1-based): chr2:47,791,008, C deleted; the last of 4 consecutive C bases (chr2:47,791,005-47,791,008); deleting any one gives the same sequence. VCF-style (leftmost placement, unchanged base first): chr2-47791004-AC-A. GRCh37 (hg19) VCF-style: chr2-48018143-AC-A.
Other names: c.342delC, p.Phe115Leufs (NM_001406813.1, NM_001406817.1, NM_001407362.1 and 6 more transcripts); c.-653delC (NM_001406814.1); c.45delC, p.Phe16Leufs (NM_001406818.1, NM_001406819.1, NM_001406820.1 and 10 more transcripts); c.-395delC (NM_001406823.1, NM_001406829.1, NM_001406811.1); c.174delC, p.Phe59Leufs (NM_001406826.1); c.237+7538del (NM_001281492.2); c.-395del (NM_001281493.2); c.-561del (NM_001281494.2); and 3 more; short protein forms F115fs.
Identifiers: ClinVar variation 1731357 (VCV001731357.2), dbSNP rs2530434826, ClinGen allele CA2576961467.